The following is an entry in ClinVar:

NM_020066.5(FMN2):c.3210C>T (p.Pro1070=)

Gene: FMN2 (formin 2; plus strand). Cytogenetic location: 1q43.
Variant type: single nucleotide variant.
Coding change: c.3210C>T on transcript NM_020066.5 (MANE Select); coding-DNA position 3210, C replaced by T.
Protein change: p.Pro1070=; no amino-acid change (proline 1070 retained).
Molecular consequence: synonymous variant. On other transcripts: intron variant (1).
Genome position (GRCh38, 1-based): chr1:240,208,022, C>T. VCF-style: chr1-240208022-C-T. GRCh37 (hg19) VCF-style: chr1-240371322-C-T.
Other names: c.3222C>T, p.Pro1074= (NM_001305424.2); c.1986+19760C>T (NM_001348094.2).
Identifiers: ClinVar variation 2578604 (VCV002578604.25), dbSNP rs781575551, ClinGen allele CA1477034.

ClinVar aggregate classification (germline): Likely benign (1 of 4 stars; one submission).

Allele frequency attached by ClinVar (database versions not stated): ExAC 0.00008.

Submission:

CeGaT Center for Human Genetics Tuebingen
Classification: Likely benign. Last evaluated: 2023-08-01. Review status: criteria provided, single submitter. Criteria: CeGaT Center For Human Genetics Tuebingen Variant Classification Criteria Version 2. Collection method: clinical testing. Allele origin: germline. Affected: yes. Observed: 1 variant allele.
Comment: FMN2: BP4, BP7